The following is an entry in ClinVar:

NM_005273.4(GNB2):c.266A>C (p.Lys89Thr)

Gene: GNB2 (G protein subunit beta 2; plus strand). Cytogenetic location: 7q22.1.
Variant type: single nucleotide variant.
Coding change: c.266A>C on transcript NM_005273.4 (MANE Select); coding-DNA position 266, A replaced by C.
Protein change: p.Lys89Thr; replaces lysine 89 with threonine.
Molecular consequence: missense variant.
Genome position (GRCh38, 1-based): chr7:100,677,414, A>C. VCF-style: chr7-100677414-A-C. GRCh37 (hg19) VCF-style: chr7-100275037-A-C.
Other names: short protein forms K89T.
Identifiers: ClinVar variation 1217307 (VCV001217307.3), dbSNP rs2131350517, ClinGen allele CA368514977.
Genomic context (GRCh38, chr7:100,677,414, plus strand): 5'-TGCTGGTCAGCGCCTCCCAGGATGGGAAGCTCATCATCTGGGACAGCTACACCACCAACA[A>C]GGTAGGGTGGCGCGGGCTGCGGGGTGGGGCAGGGCCACAGGGCCCTGGCTGGCTCTGACC-3'
Protein context (NP_005264.2, residues 79-99): LIIWDSYTTN[Lys89Thr]VHAIPLRSSW

ClinVar aggregate classification (germline): Pathogenic. Review status: criteria provided, single submitter (1 of 4 stars). 2 submissions from 2 submitters: Pathogenic (1). 1 of the submissions does not count toward it. Last evaluated 2026-04-08.

Conditions:
Neurodevelopmental disorder with hypotonia and dysmorphic facies. Identifiers: MedGen C5561974, MONDO:0859185, OMIM 619503.

Submissions (2):

GeneDx
Classification: Pathogenic. Last evaluated: 2026-04-08. Review status: criteria provided, single submitter. Criteria: GeneDx Variant Classification Process June 2021. Collection method: clinical testing. Allele origin: germline.
Comment: Not observed at significant frequency in large population cohorts (gnomAD); In silico analysis supports that this missense variant has a deleterious effect on protein structure/function; This variant is associated with the following publications: (PMID: 33057194, 35982159, 34183358, 31785789)

OMIM
Classification: Pathogenic for NEURODEVELOPMENTAL DISORDER WITH HYPOTONIA AND DYSMORPHIC FACIES. Last evaluated: 2022-04-25. Review status: no assertion criteria provided. Collection method: literature only. Allele origin: germline. Not counted in ClinVar's aggregate classification.

Literature cited by the submitters: PubMed 34183358 (cited by OMIM).